The following is an entry in ClinVar:

NM_003883.4(HDAC3):c.765+8T>C

Gene: HDAC3 (histone deacetylase 3; minus strand). Cytogenetic location: 5q31.3.
Variant type: single nucleotide variant.
Coding change: c.765+8T>C on transcript NM_003883.4 (MANE Select); 8 bases into the intron after coding-DNA position 765, T replaced by C.
Molecular consequence: intron variant.
Genome position (GRCh38, 1-based): chr5:141,628,106, A>G on the plus strand (T>C on the coding strand, the complement: HDAC3 is on the minus strand). VCF-style: chr5-141628106-A-G. GRCh37 (hg19) VCF-style: chr5-141007673-A-G.
Other names: c.306+8T>C (NM_001355040.2); c.204+8T>C (NM_001355041.2); c.765+8T>C (NM_001355039.2).
Identifiers: ClinVar variation 4535307 (VCV004535307.6).

ClinVar aggregate classification (germline): Likely benign (1 of 4 stars; one submission).

gnomAD v4.1: 13 of 1,613,196 alleles (0.00081%); highest among the groups gnomAD compares: South Asian, 0.014%; no homozygotes.

Submission:

CeGaT Center for Human Genetics Tuebingen
Classification: Likely benign. Last evaluated: 2025-11-01. Review status: criteria provided, single submitter. Criteria: CeGaT Center For Human Genetics Tuebingen Variant Classification Criteria Version 2. Collection method: clinical testing. Allele origin: germline. Affected: yes. Observed: 1 variant allele.
Comment: HDAC3: BP4